The following is an entry in ClinVar:

ClinVar aggregate classification (germline): Uncertain significance. Review status: criteria provided, multiple submitters, no conflicts (2 of 4 stars). 2 submissions from 2 submitters: Uncertain significance (2). Last evaluated 2022-07-12.

Conditions:
Inborn genetic diseases. Identifiers: MedGen C0950123, MeSH D030342.

Allele frequency attached by ClinVar (database versions not stated): ExAC 0.00002; gnomAD 0.00001; gnomAD exomes 0.00002.

Submissions (2):

Labcorp Genetics (formerly Invitae), Labcorp
Classification: Uncertain significance. Last evaluated: 2022-07-12. Review status: criteria provided, single submitter. Criteria: Invitae Variant Classification Sherloc (09022015). Collection method: clinical testing. Allele origin: germline.
Comment: This sequence change replaces arginine, which is basic and polar, with histidine, which is basic and polar, at codon 382 of the NDUFS1 protein (p.Arg382His). In summary, the available evidence is currently insufficient to determine the role of this variant in disease. Therefore, it has been classified as a Variant of Uncertain Significance. Algorithms developed to predict the effect of missense changes on protein structure and function (SIFT, PolyPhen-2, Align-GVGD) all suggest that this variant is likely to be disruptive. This variant has not been reported in the literature in individuals affected with NDUFS1-related conditions. This variant is present in population databases (rs761692097, gnomAD 0.01%).

Ambry Genetics
Classification: Uncertain significance for Inborn genetic diseases. Last evaluated: 2021-07-09. Review status: criteria provided, single submitter. Criteria: Ambry Variant Classification Scheme 2023. Collection method: clinical testing. Allele origin: germline.

NM_005006.7(NDUFS1):c.1145G>A (p.Arg382His)

Gene: NDUFS1 (NADH:ubiquinone oxidoreductase core subunit S1; minus strand). Cytogenetic location: 2q33.3.
Variant type: single nucleotide variant.
Coding change: c.1145G>A on transcript NM_005006.7 (MANE Select); coding-DNA position 1145, G replaced by A.
Protein change: p.Arg382His; replaces arginine 382 with histidine.
Molecular consequence: missense variant.
Genome position (GRCh38, 1-based): chr2:206,142,058, C>T on the plus strand (G>A on the coding strand, the complement: NDUFS1 is on the minus strand). VCF-style: chr2-206142058-C-T. GRCh37 (hg19) VCF-style: chr2-207006782-C-T.
Other names: c.1037G>A, p.Arg346His (NM_001199981.2); c.812G>A, p.Arg271His (NM_001199982.2); c.974G>A, p.Arg325His (NM_001199983.2); c.1187G>A, p.Arg396His (NM_001199984.2); short protein forms R382H, R325H, R396H, R271H, R346H.
Identifiers: ClinVar variation 2064601 (VCV002064601.5), dbSNP rs761692097, ClinGen allele CA2070537.